The following is an entry in ClinVar:

ClinVar aggregate classification (germline): Uncertain significance (1 of 4 stars; one submission).

Allele frequency attached by ClinVar (database versions not stated): gnomAD exomes 0.00001.
gnomAD v4.1: 4 of 1,550,210 alleles (0.00026%); highest among the groups gnomAD compares: South Asian, 0.0012%; no homozygotes.

Submission:

Labcorp Genetics (formerly Invitae), Labcorp
Classification: Uncertain significance. Last evaluated: 2022-07-05. Review status: criteria provided, single submitter. Criteria: Invitae Variant Classification Sherloc (09022015). Collection method: clinical testing. Allele origin: germline.
Comment: This sequence change replaces arginine, which is basic and polar, with glycine, which is neutral and non-polar, at codon 3755 of the ZNF469 protein (p.Arg3755Gly). This variant is present in population databases (no rsID available, gnomAD 0.01%). This variant has not been reported in the literature in individuals affected with ZNF469-related conditions. ClinVar contains an entry for this variant (Variation ID: 1512830). Algorithms developed to predict the effect of missense changes on protein structure and function are either unavailable or do not agree on the potential impact of this missense change (SIFT: "Deleterious"; PolyPhen-2: "Benign"; Align-GVGD: "Class C0"). In summary, the available evidence is currently insufficient to determine the role of this variant in disease. Therefore, it has been classified as a Variant of Uncertain Significance.

NM_001367624.2(ZNF469):c.11347C>G (p.Arg3783Gly)

Gene: ZNF469 (zinc finger protein 469; plus strand). Cytogenetic location: 16q24.2.
Variant type: single nucleotide variant.
Coding change: c.11347C>G on transcript NM_001367624.2 (MANE Select); coding-DNA position 11347, C replaced by G.
Protein change: p.Arg3783Gly; replaces arginine 3783 with glycine.
Molecular consequence: missense variant.
Genome position (GRCh38, 1-based): chr16:88,438,817, C>G. VCF-style: chr16-88438817-C-G. GRCh37 (hg19) VCF-style: chr16-88505225-C-G.
Other names: short protein forms R3783G.
Identifiers: ClinVar variation 1512830 (VCV001512830.3), dbSNP rs1224593401, ClinGen allele CA397129809.